The following is an entry in ClinVar:

ClinVar aggregate classification (germline): Uncertain significance (1 of 4 stars; one submission).

Conditions:
Hereditary breast ovarian cancer syndrome. Also called: Hereditary breast and/or ovarian cancer syndrome; Breast and ovarian cancer; BRCA1- and BRCA2-Associated Hereditary Breast and Ovarian Cancer; Hereditary breast and ovarian cancer syndrome; Hereditary breast and ovarian cancer syndrome (HBOC); Hereditary breast and ovarian cancer. Identifiers: Orphanet 145, MedGen C0677776, MeSH D061325, MONDO:0003582. Disease mechanism: loss of function.

Submission:

Labcorp Genetics (formerly Invitae), Labcorp
Classification: Uncertain significance for Hereditary breast ovarian cancer syndrome. Last evaluated: 2020-05-03. Review status: criteria provided, single submitter. Criteria: Invitae Variant Classification Sherloc (09022015). Collection method: clinical testing. Allele origin: germline.
Comment: This sequence change replaces phenylalanine with leucine at codon 2406 of the BRCA2 protein (p.Phe2406Leu). The phenylalanine residue is highly conserved and there is a small physicochemical difference between phenylalanine and leucine. This variant is not present in population databases (ExAC no frequency). This missense change has been reported in an individual in the Breast Cancer Information Core database (PMID: 10923033). This variant has been reported not to substantially affect BRCA2 protein function (PMID: 22678057, 23108138). In summary, the available evidence is currently insufficient to determine the role of this variant in disease. Therefore, it has been classified as a Variant of Uncertain Significance.

Literature cited by the submitters: PubMed 10923033; PubMed 22678057; PubMed 23108138.

NM_000059.4(BRCA2):c.7216T>C (p.Phe2406Leu)

Gene: BRCA2 (BRCA2 DNA repair associated; plus strand). Cytogenetic location: 13q13.1.
Variant type: single nucleotide variant.
Coding change: c.7216T>C on transcript NM_000059.4 (MANE Select); coding-DNA position 7216, T replaced by C.
Protein change: p.Phe2406Leu; replaces phenylalanine 2406 with leucine.
Molecular consequence: missense variant.
Genome position (GRCh38, 1-based): chr13:32,355,069, T>C. VCF-style: chr13-32355069-T-C. GRCh37 (hg19) VCF-style: chr13-32929206-T-C.
Other names: short protein forms F2406L.
Identifiers: ClinVar variation 1059172 (VCV001059172.9), dbSNP rs2137556949, ClinGen allele CA387740037.